The following is an entry in ClinVar:

ClinVar aggregate classification (germline): Uncertain significance (1 of 4 stars; one submission).

Allele frequency attached by ClinVar (database versions not stated): gnomAD exomes below 0.00001; ExAC 0.00001.

Submission:

Labcorp Genetics (formerly Invitae), Labcorp
Classification: Uncertain significance. Last evaluated: 2020-06-23. Review status: criteria provided, single submitter. Criteria: Invitae Variant Classification Sherloc (09022015). Collection method: clinical testing. Allele origin: germline.
Comment: This sequence change replaces glycine with aspartic acid at codon 930 of the ANLN protein (p.Gly930Asp). The glycine residue is highly conserved and there is a moderate physicochemical difference between glycine and aspartic acid. This variant is present in population databases (rs747543514, ExAC 0.002%). This variant has not been reported in the literature in individuals with ANLN-related conditions. Algorithms developed to predict the effect of missense changes on protein structure and function are either unavailable or do not agree on the potential impact of this missense change (SIFT: "Tolerated"; PolyPhen-2: "Probably Damaging"; Align-GVGD: "Class C0"). In summary, the available evidence is currently insufficient to determine the role of this variant in disease. Therefore, it has been classified as a Variant of Uncertain Significance.

NM_018685.5(ANLN):c.2789G>A (p.Gly930Asp)

Gene: ANLN (anillin, actin binding protein; plus strand). Cytogenetic location: 7p14.2.
Variant type: single nucleotide variant.
Coding change: c.2789G>A on transcript NM_018685.5 (MANE Select); coding-DNA position 2789, G replaced by A.
Protein change: p.Gly930Asp; replaces glycine 930 with aspartic acid.
Molecular consequence: missense variant.
Genome position (GRCh38, 1-based): chr7:36,426,934, G>A. VCF-style: chr7-36426934-G-A. GRCh37 (hg19) VCF-style: chr7-36466543-G-A.
Other names: c.2678G>A, p.Gly893Asp (NM_001284301.3); c.2675G>A, p.Gly892Asp (NM_001284302.3); short protein forms G892D, G893D, G930D.
Identifiers: ClinVar variation 1001578 (VCV001001578.8), dbSNP rs747543514, ClinGen allele CA4220000.